The following is an entry in ClinVar:

ClinVar aggregate classification (germline): Pathogenic (1 of 4 stars; one submission).

Conditions:
Epilepsy. Also called: Seizure disorder. Identifiers: MedGen C0014544, MeSH D004827, MONDO:0005027.

Submission:

Labcorp Genetics (formerly Invitae), Labcorp
Classification: Pathogenic for Epilepsy. Last evaluated: 2022-05-19. Review status: criteria provided, single submitter. Criteria: Invitae Variant Classification Sherloc (09022015). Collection method: clinical testing. Allele origin: germline.
Comment: A gross deletion of the genomic region encompassing the full coding sequence of the PIGQ gene has been identified. Loss-of-function variants in PIGQ are known to be pathogenic (PMID: 24463883, 25558065). The boundaries of this event are unknown as they extend beyond the assayed region for this gene and therefore may encompass additional genes. This variant has not been reported in the literature in individuals affected with PIGQ-related conditions. For these reasons, this variant has been classified as Pathogenic.

Literature cited by the submitters: PubMed 24463883; PubMed 25558065.

NC_000016.9:g.(?_256302)_(633035_?)del

Genes: ARHGDIG (Rho GDP dissociation inhibitor gamma; plus strand), AXIN1 (axin 1; minus strand), CAPN15 (calpain 15; plus strand), DECR2 (2,4-dienoyl-CoA reductase 2; plus strand), FAM234A (family with sequence similarity 234 member A; plus strand) and 10 more. Cytogenetic location: 16p13.3.
Variant type: Deletion.
Identifiers: ClinVar variation 2425036 (VCV002425036.3).